The following is an entry in ClinVar:

ClinVar aggregate classification (germline): Uncertain significance. Review status: criteria provided, multiple submitters, no conflicts (2 of 4 stars). 2 submissions from 2 submitters: Uncertain significance (2). Last evaluated 2025-08-06.

Conditions:
Inborn genetic diseases. Identifiers: MedGen C0950123, MeSH D030342.

Submissions (2):

Labcorp Genetics (formerly Invitae), Labcorp
Classification: Uncertain significance. Last evaluated: 2025-08-06. Review status: criteria provided, single submitter. Criteria: Invitae Variant Classification Sherloc (09022015). Collection method: clinical testing. Allele origin: germline.
Comment: This sequence change replaces histidine, which is basic and polar, with leucine, which is neutral and non-polar, at codon 244 of the SAMD9 protein (p.His244Leu). This variant is not present in population databases (gnomAD no frequency). This variant has not been reported in the literature in individuals affected with SAMD9-related conditions. Invitae Evidence Modeling of protein sequence and biophysical properties (such as structural, functional, and spatial information, amino acid conservation, physicochemical variation, residue mobility, and thermodynamic stability) has been performed for this missense variant. However, the output from this modeling did not meet the statistical confidence thresholds required to predict the impact of this variant on SAMD9 protein function. In summary, the available evidence is currently insufficient to determine the role of this variant in disease. Therefore, it has been classified as a Variant of Uncertain Significance.

Ambry Genetics
Classification: Uncertain significance for Inborn genetic diseases. Last evaluated: 2025-06-21. Review status: criteria provided, single submitter. Criteria: Ambry Variant Classification Scheme 2023. Collection method: clinical testing. Allele origin: germline.
Comment: The p.H244L variant (also known as c.731A>T), located in coding exon 1 of the SAMD9 gene, results from an A to T substitution at nucleotide position 731. The histidine at codon 244 is replaced by leucine, an amino acid with similar properties. This amino acid position is conserved. In addition, this alteration is predicted to be tolerated by in silico analysis. Based on the available evidence, the clinical significance of this variant remains unclear.

NM_017654.4(SAMD9):c.731A>T (p.His244Leu)

Gene: SAMD9 (sterile alpha motif domain containing 9; minus strand). Cytogenetic location: 7q21.2.
Variant type: single nucleotide variant.
Coding change: c.731A>T on transcript NM_017654.4 (MANE Select); coding-DNA position 731, A replaced by T.
Protein change: p.His244Leu; replaces histidine 244 with leucine.
Molecular consequence: missense variant.
Genome position (GRCh38, 1-based): chr7:93,105,367, T>A on the plus strand (A>T on the coding strand, the complement: SAMD9 is on the minus strand). VCF-style: chr7-93105367-T-A. GRCh37 (hg19) VCF-style: chr7-92734680-T-A.
Other names: c.731A>T, p.His244Leu (NM_001193307.2); short protein forms H244L.
Identifiers: ClinVar variation 4159023 (VCV004159023.2).